The following is an entry in ClinVar:

ClinVar aggregate classification (germline): Uncertain significance (1 of 4 stars; one submission).

Conditions:
Cardiovascular phenotype. Identifiers: MedGen CN230736.

Submission:

Ambry Genetics
Classification: Uncertain significance for Cardiovascular phenotype. Last evaluated: 2021-08-07. Review status: criteria provided, single submitter. Criteria: Ambry Variant Classification Scheme 2023. Collection method: clinical testing. Allele origin: germline.
Comment: The p.E469D variant (also known as c.1407A>C), located in coding exon 10 of the NEXN gene, results from an A to C substitution at nucleotide position 1407. The glutamic acid at codon 469 is replaced by aspartic acid, an amino acid with highly similar properties. This amino acid position is conserved. In addition, this alteration is predicted to be tolerated by in silico analysis. Since supporting evidence is limited at this time, the clinical significance of this alteration remains unclear.

NM_144573.4(NEXN):c.1407A>C (p.Glu469Asp)

Gene: NEXN (nexilin F-actin binding protein; plus strand). Cytogenetic location: 1p31.1.
Variant type: single nucleotide variant.
Coding change: c.1407A>C on transcript NM_144573.4 (MANE Select); coding-DNA position 1407, A replaced by C.
Protein change: p.Glu469Asp; replaces glutamic acid 469 with aspartic acid.
Molecular consequence: missense variant.
Genome position (GRCh38, 1-based): chr1:77,935,978, A>C. VCF-style: chr1-77935978-A-C. GRCh37 (hg19) VCF-style: chr1-78401663-A-C.
Other names: c.1215A>C, p.Glu405Asp (NM_001172309.2); short protein forms E469D, E405D.
Identifiers: ClinVar variation 1771913 (VCV001771913.2), dbSNP rs2523265334, ClinGen allele CA340879263.